The following is an entry in ClinVar:

NM_001046.3(SLC12A2):c.1957C>G (p.Arg653Gly)

Gene: SLC12A2 (solute carrier family 12 member 2; plus strand). Cytogenetic location: 5q23.3.
Variant type: single nucleotide variant.
Coding change: c.1957C>G on transcript NM_001046.3 (MANE Select); coding-DNA position 1957, C replaced by G.
Protein change: p.Arg653Gly; replaces arginine 653 with glycine.
Molecular consequence: missense variant. On other transcripts: non-coding transcript variant (1).
Genome position (GRCh38, 1-based): chr5:128,148,829, C>G. VCF-style: chr5-128148829-C-G. GRCh37 (hg19) VCF-style: chr5-127484521-C-G.
Other names: c.1957C>G, p.Arg653Gly (NM_001256461.2); short protein forms R653G.
Identifiers: ClinVar variation 4293106 (VCV004293106.1).

ClinVar aggregate classification (germline): Uncertain significance (1 of 4 stars; one submission).

Conditions:
SLC12A2-related disorder. Also called: SLC12A2-related condition; SLC12A2-related disorders.

Submission:

3billion
Classification: Uncertain significance for SLC12A2-related disorder. Last evaluated: 2025-01-14. Review status: criteria provided, single submitter. Criteria: ACMG Guidelines, 2015. Collection method: clinical testing. Allele origin: germline. Affected: yes.
Comment: The variant is not observed in the gnomAD v4.1.0 dataset. Predicted Consequence/Location: Missense variant. The majority of the known disease-causing variants of this gene are variants expected to result in premature termination of the protein. In silico tool predictions suggest damaging effect of the variant on gene or gene product [REVEL: 0.91 (>=0.6, sensitivity 0.68 and specificity 0.92)]. Therefore, this variant is classified as VUS according to the recommendation of ACMG/AMP guideline.